The following is an entry in ClinVar:

ClinVar aggregate classification (germline): Conflicting classifications of pathogenicity. Review status: criteria provided, conflicting classifications (1 of 4 stars). 3 submissions from 3 submitters: Uncertain significance (2); Likely benign (1). Last evaluated 2022-05-06.

Conditions:
Hereditary cancer-predisposing syndrome. Also called: Neoplastic Syndromes, Hereditary; Hereditary neoplastic syndrome; Tumor predisposition; Hereditary Cancer Syndrome. Identifiers: Orphanet 140162, MedGen C0027672, MeSH D009386, MONDO:0015356.
Hereditary breast ovarian cancer syndrome. Also called: Hereditary breast and ovarian cancer syndrome (HBOC); BRCA1- and BRCA2-Associated Hereditary Breast and Ovarian Cancer; Hereditary breast and/or ovarian cancer syndrome; Hereditary breast and ovarian cancer syndrome; Hereditary breast and ovarian cancer; Breast and ovarian cancer. Identifiers: Orphanet 145, MedGen C0677776, MeSH D061325, MONDO:0003582. Disease mechanism: loss of function.

Submissions (4):

Labcorp Genetics (formerly Invitae), Labcorp
Classification: Uncertain significance for Hereditary breast ovarian cancer syndrome. Last evaluated: 2022-05-06. Review status: criteria provided, single submitter. Criteria: Invitae Variant Classification Sherloc (09022015). Collection method: clinical testing. Allele origin: germline.
Comment: ClinVar contains an entry for this variant (Variation ID: 422707). Advanced modeling of protein sequence and biophysical properties (such as structural, functional, and spatial information, amino acid conservation, physicochemical variation, residue mobility, and thermodynamic stability) performed at Invitae indicates that this missense variant is not expected to disrupt BRCA1 protein function. This sequence change replaces proline, which is neutral and non-polar, with glutamine, which is neutral and polar, at codon 1637 of the BRCA1 protein (p.Pro1637Gln). This variant is not present in population databases (gnomAD no frequency). This variant has not been reported in the literature in individuals affected with BRCA1-related conditions. Experimental studies have shown that this missense change does not substantially affect BRCA1 function (PMID: 30209399). In summary, the available evidence is currently insufficient to determine the role of this variant in disease. Therefore, it has been classified as a Variant of Uncertain Significance.

Ambry Genetics
Classification: Likely benign for Hereditary cancer-predisposing syndrome. Last evaluated: 2021-08-26. Review status: criteria provided, single submitter. Criteria: Ambry Variant Classification Scheme 2023. Collection method: clinical testing. Allele origin: germline.

GeneDx
Classification: Uncertain significance. Last evaluated: 2016-11-07. Review status: criteria provided, single submitter. Criteria: GeneDx Variant Classification (06012015). Collection method: clinical testing. Allele origin: germline. Affected: yes.
Comment: This variant is denoted BRCA1 c.4910C>A at the cDNA level, p.Pro1637Gln (P1637Q) at the protein level, and results in the change of a Proline to a Glutamine (CCA>CAA). Using alternate nomenclature, this variant would be defined as BRCA1 5029C>A. This variant has not, to our knowledge, been published in the literature as pathogenic or benign. BRCA1 Pro1637Gln was not observed in approximately 6,500 individuals of European and African American ancestry in the NHLBI Exome Sequencing Project, suggesting it is not a common benign variant in these populations. Since Proline and Glutamine differ in polarity, charge, size or other properties, this is considered a non-conservative amino acid substitution. BRCA1 Pro1637Gln occurs at a position that is not conserved and is located within a region known to interact with multiple proteins (Paul 2014). In silico analyses predict that this variant is probably damaging to protein structure and function. Based on currently available evidence, it is unclear whether BRCA1 Pro1637Gln is a pathogenic or benign variant. We consider it to be a variant of uncertain significance.

Brotman Baty Institute, University of Washington
No classification provided (evidence only). Condition: Breast-ovarian cancer, familial 1. Review status: no classification provided. Collection method: in vitro. Allele origin: not applicable. Functional consequence: functionally_normal. Not counted in ClinVar's aggregate classification.
ClinVar note: "not provided" was previously submitted as the classification for the variant. However, the classification appeared to be based only on an observation of functional data so it was converted to no classification on 2025-07-30.

Literature cited by the submitters: PubMed 30209399 (cited by Labcorp Genetics (formerly Invitae), Labcorp).

NM_007294.4(BRCA1):c.4910C>A (p.Pro1637Gln)

Gene: BRCA1 (BRCA1 DNA repair associated; minus strand). Cytogenetic location: 17q21.31.
Variant type: single nucleotide variant.
Coding change: c.4910C>A on transcript NM_007294.4 (MANE Select); coding-DNA position 4910, C replaced by A.
Protein change: p.Pro1637Gln; replaces proline 1637 with glutamine.
Molecular consequence: missense variant. On other transcripts: non-coding transcript variant (1).
Genome position (GRCh38, 1-based): chr17:43,071,004, G>T on the plus strand (C>A on the coding strand, the complement: BRCA1 is on the minus strand). VCF-style: chr17-43071004-G-T. GRCh37 (hg19) VCF-style: chr17-41223021-G-T.
Other names: c.4697C>A, p.Pro1566Gln (NM_001407571.1, NM_001407894.1, NM_001407895.1 and 12 more transcripts); c.4976C>A, p.Pro1659Gln (NM_001407581.1, NM_001407582.1); c.4973C>A, p.Pro1658Gln (NM_001407583.1, NM_001407585.1, NM_001407587.1 and 1 more transcripts); c.4970C>A, p.Pro1657Gln (NM_001407590.1, NM_001407591.1); c.4910C>A, p.Pro1637Gln (NM_001407593.1, NM_001407594.1, NM_001407596.1 and 8 more transcripts); c.4907C>A, p.Pro1636Gln (NM_001407618.1, NM_001407619.1, NM_001407620.1 and 17 more transcripts); c.4904C>A, p.Pro1635Gln (NM_001407637.1, NM_001407638.1, NM_001407639.1 and 14 more transcripts); c.4901C>A, p.Pro1634Gln (NM_001407644.1, NM_001407645.1); and 70 more; short protein forms P1637Q, P533Q, P1590Q, P1658Q, P1508Q, P1509Q, P1510Q, P1524Q.
Identifiers: ClinVar variation 422707 (VCV000422707.17), dbSNP rs80357048, ClinGen allele CA10591703.